The following is an entry in ClinVar:

ClinVar aggregate classification (germline): Conflicting classifications of pathogenicity. Review status: criteria provided, conflicting classifications (1 of 4 stars). 3 submissions from 3 submitters: Uncertain significance (1); Likely benign (1). 1 of the submissions does not count toward it. Last evaluated 2025-09-05.

Conditions:
CLCN7-related disorder. Also called: CLCN7-related condition.
Osteopetrosis. Identifiers: Orphanet 2781, MedGen C0029454, MONDO:0017198, HP:0011002.

Allele frequency attached by ClinVar (database versions not stated): ExAC 0.00002; gnomAD exomes 0.00002; gnomAD 0.00003 and 0.00004; TOPMed 0.00006.
gnomAD v4.1: 29 of 1,613,548 alleles (0.0018%); highest among the groups gnomAD compares: African/African-American, 0.017%; no homozygotes.

Submissions (3):

Labcorp Genetics (formerly Invitae), Labcorp
Classification: Likely benign. Last evaluated: 2025-09-05. Review status: criteria provided, single submitter. Criteria: Invitae Variant Classification Sherloc (09022015). Collection method: clinical testing. Allele origin: germline.

Illumina Laboratory Services, Illumina
Classification: Uncertain significance for Osteopetrosis. Last evaluated: 2018-01-12. Review status: criteria provided, single submitter. Criteria: ICSL Variant Classification Criteria 13 December 2019. Collection method: clinical testing. Allele origin: germline.

PreventionGenetics, part of Exact Sciences
Classification: Likely benign for CLCN7-related condition. Last evaluated: 2019-05-01. Review status: no assertion criteria provided. Collection method: clinical testing. Allele origin: germline. Not counted in ClinVar's aggregate classification.
Comment: This variant is classified as likely benign based on ACMG/AMP sequence variant interpretation guidelines (Richards et al. 2015 PMID: 25741868, with internal and published modifications).

NM_001287.6(CLCN7):c.564C>T (p.Leu188=)

Gene: CLCN7 (chloride voltage-gated channel 7; minus strand). Cytogenetic location: 16p13.3.
Variant type: single nucleotide variant.
Coding change: c.564C>T on transcript NM_001287.6 (MANE Select); coding-DNA position 564, C replaced by T.
Protein change: p.Leu188=; no amino-acid change (leucine 188 retained).
Molecular consequence: synonymous variant.
Genome position (GRCh38, 1-based): chr16:1,460,448, G>A on the plus strand (C>T on the coding strand, the complement: CLCN7 is on the minus strand). VCF-style: chr16-1460448-G-A. GRCh37 (hg19) VCF-style: chr16-1510449-G-A.
Other names: c.492C>T, p.Leu164= (NM_001114331.3).
Identifiers: ClinVar variation 317959 (VCV000317959.11), dbSNP rs781074115, ClinGen allele CA7810725.